The following is an entry in ClinVar:

NM_032043.3(BRIP1):c.1935+7T>A

Gene: BRIP1 (BRCA1 interacting DNA helicase 1; minus strand). Cytogenetic location: 17q23.2.
Variant type: single nucleotide variant.
Coding change: c.1935+7T>A on transcript NM_032043.3 (MANE Select); 7 bases into the intron after coding-DNA position 1935, T replaced by A.
Molecular consequence: intron variant.
Genome position (GRCh38, 1-based): chr17:61,780,254, A>T on the plus strand (T>A on the coding strand, the complement: BRIP1 is on the minus strand). VCF-style: chr17-61780254-A-T. GRCh37 (hg19) VCF-style: chr17-59857615-A-T.
Identifiers: ClinVar variation 2934790 (VCV002934790.4), dbSNP rs201024366, ClinGen allele CA2639155769.
Genomic context (GRCh38, chr17:61,780,254, plus strand): 5'-CTTGTTTACATAGTTATATTGAAGTAGAAACACTGAAGGCCTTCCAAAAAAAAAAACAAC[A>T]ACTAACCTGTGAATTTTTAATGATATGATTAGCCTCCAGCTGGATAGTAAATGTAACACC-3'

ClinVar aggregate classification (germline): Likely benign. Review status: criteria provided, multiple submitters, no conflicts (2 of 4 stars). 2 submissions from 2 submitters: Likely benign (2). Last evaluated 2024-08-30.

Conditions:
Fanconi anemia complementation group J. Also called: BRIP1-Related Fanconi Anemia. Identifiers: Orphanet 84, MedGen C1836860, MONDO:0012187, OMIM 609054.
Familial cancer of breast. Also called: BREAST CANCER, FAMILIAL; Hereditary breast cancer; hereditary breast carcinoma. Identifiers: Orphanet 227535, MedGen C0346153, MONDO:0016419, OMIM 114480. Disease mechanism: loss of function.

Submissions (2):

Myriad Genetics, Inc.
Classification: Likely benign for Familial cancer of breast. Last evaluated: 2024-08-30. Review status: criteria provided, single submitter. Criteria: Myriad Autosomal Dominant, Autosomal Recessive and X-Linked Classification Criteria (2023). Collection method: clinical testing. Allele origin: unknown.
Comment: This variant is considered likely benign. This variant is intronic and is not expected to impact mRNA splicing.

Labcorp Genetics (formerly Invitae), Labcorp
Classification: Likely benign for Familial cancer of breast; Fanconi anemia complementation group J. Last evaluated: 2023-10-22. Review status: criteria provided, single submitter. Criteria: Invitae Variant Classification Sherloc (09022015). Collection method: clinical testing. Allele origin: germline.